The following is an entry in ClinVar:

NM_001244008.2(KIF1A):c.4553G>T (p.Ser1518Ile)

Gene: KIF1A (kinesin family member 1A; minus strand). Cytogenetic location: 2q37.3.
Variant type: single nucleotide variant.
Coding change: c.4553G>T on transcript NM_001244008.2 (MANE Select); coding-DNA position 4553, G replaced by T.
Protein change: p.Ser1518Ile; replaces serine 1518 with isoleucine.
Molecular consequence: missense variant.
Genome position (GRCh38, 1-based): chr2:240,722,568, C>A on the plus strand (G>T on the coding strand, the complement: KIF1A is on the minus strand). VCF-style: chr2-240722568-C-A. GRCh37 (hg19) VCF-style: chr2-241661985-C-A.
Other names: c.4526G>T, p.Ser1509Ile (NM_001379633.1, NM_001379645.1); c.4379G>T, p.Ser1460Ile (NM_001379634.1); c.4376G>T, p.Ser1459Ile (NM_001379635.1, NM_001379646.1); c.4364G>T, p.Ser1455Ile (NM_001379636.1); c.4325G>T, p.Ser1442Ile (NM_001379637.1); c.4301G>T, p.Ser1434Ile (NM_001379638.1); c.4274G>T, p.Ser1425Ile (NM_001379639.1); c.4247G>T, p.Ser1416Ile (NM_001379640.1); and 7 more; short protein forms S1416I, S1417I, S1425I, S1426I, S1434I, S1435I, S1442I, S1451I.
Identifiers: ClinVar variation 4538139 (VCV004538139.1).

ClinVar aggregate classification (germline): Uncertain significance (1 of 4 stars; one submission).

Submission:

GeneDx
Classification: Uncertain significance. Last evaluated: 2025-06-10. Review status: criteria provided, single submitter. Criteria: GeneDx Variant Classification Process June 2021. Collection method: clinical testing. Allele origin: germline. Affected: yes.
Comment: Not observed at significant frequency in large population cohorts (gnomAD); In silico analysis supports that this missense variant has a deleterious effect on protein structure/function; Has not been previously published as pathogenic or benign to our knowledge